The following is an entry in ClinVar:

ClinVar aggregate classification (germline): Pathogenic (1 of 4 stars; one submission).

Submission:

Labcorp Genetics (formerly Invitae), Labcorp
Classification: Pathogenic. Last evaluated: 2022-05-08. Review status: criteria provided, single submitter. Criteria: Invitae Variant Classification Sherloc (09022015). Collection method: clinical testing. Allele origin: germline.
Comment: For these reasons, this variant has been classified as Pathogenic. This variant has not been reported in the literature in individuals affected with ADAMTSL4-related conditions. This variant is not present in population databases (gnomAD no frequency). This sequence change creates a premature translational stop signal (p.Arg387Glnfs*37) in the ADAMTSL4 gene. It is expected to result in an absent or disrupted protein product. Loss-of-function variants in ADAMTSL4 are known to be pathogenic (PMID: 20564469, 28642162).

Literature cited by the submitters: PubMed 20564469; PubMed 28642162.

NM_019032.6(ADAMTSL4):c.1152_1159dup (p.Arg387fs)

Genes: ADAMTSL4 (ADAMTS like 4; plus strand), ADAMTSL4-AS2 (ADAMTSL4 antisense RNA 2; minus strand). Cytogenetic location: 1q21.2.
Variant type: Duplication.
Coding change: c.1152_1159dup on transcript NM_019032.6 (MANE Select); coding-DNA positions 1152 to 1159, 8 bases duplicated (AGACCCCC; older notation c.1152_1159dupAGACCCCC).
Protein change: p.Arg387fs; shifts the reading frame from arginine 387.
Molecular consequence: frameshift variant.
Genome position (GRCh38, 1-based): chr1:150,554,385-150,554,392, AGACCCCC duplicated; duplicating any 8 consecutive bases within chr1:150,554,383-150,554,392 gives the same sequence; the c. name uses the placement nearest the transcript's 3' end. VCF-style (leftmost placement, unchanged base first): chr1-150554382-G-GCCAGACCC. GRCh37 (hg19) VCF-style: chr1-150526858-G-GCCAGACCC.
Other names: c.1152_1159dup, p.Arg387fs (NM_001288607.2, NM_001288608.2, NM_001378596.1 and 1 more transcripts); short protein forms R387fs.
Identifiers: ClinVar variation 2135517 (VCV002135517.4), dbSNP rs2526630468, ClinGen allele CA2580061006.
Genomic context (GRCh38, chr1:150,554,382, plus strand): 5'-ATTTTGCTCCCCAGCTCTGACTCCTTTGTACCCCTCACCGCAGCCCTGCCCCCCTGAGCA[G>GCCAGACCC]CCAGACCCCCGGGCCCTGCAGTGCGCAGCCTTTAACTCCCAGGAATTCATGGGCCAGCTG-3'